The following is an entry in ClinVar:

NM_004104.5(FASN):c.5455C>T (p.Arg1819Trp)

Gene: FASN (fatty acid synthase; minus strand). Cytogenetic location: 17q25.3.
Variant type: single nucleotide variant.
Coding change: c.5455C>T on transcript NM_004104.5 (MANE Select); coding-DNA position 5455, C replaced by T.
Protein change: p.Arg1819Trp; replaces arginine 1819 with tryptophan.
Molecular consequence: missense variant.
Genome position (GRCh38, 1-based): chr17:82,083,312, G>A on the plus strand (C>T on the coding strand, the complement: FASN is on the minus strand). VCF-style: chr17-82083312-G-A. GRCh37 (hg19) VCF-style: chr17-80041188-G-A.
Other names: short protein forms R1819W.
Identifiers: ClinVar variation 846421 (VCV000846421.11), dbSNP rs369955820, ClinGen allele CA8851683.

ClinVar aggregate classification (germline): Uncertain significance. Review status: criteria provided, multiple submitters, no conflicts (2 of 4 stars). 2 submissions from 2 submitters: Uncertain significance (2). Last evaluated 2024-05-02.

Conditions:
Epileptic encephalopathy. Identifiers: MedGen C0543888, HP:0200134.

Allele frequency attached by ClinVar (database versions not stated): gnomAD 0.00003 and 0.00007; TOPMed 0.00008; ESP Exome Variant Server 0.00015; gnomAD exomes 0.00023; ExAC 0.00024; 1000 Genomes Project 0.00060; 1000 Genomes Project 30x 0.00062.
gnomAD v4.1: 182 of 1,612,692 alleles (0.011%); highest among the groups gnomAD compares: South Asian, 0.15%; 1 homozygote.

Submissions (2):

Labcorp Genetics (formerly Invitae), Labcorp
Classification: Uncertain significance for Epileptic encephalopathy. Last evaluated: 2024-05-02. Review status: criteria provided, single submitter. Criteria: Invitae Variant Classification Sherloc (09022015). Collection method: clinical testing. Allele origin: germline.
Comment: This sequence change replaces arginine, which is basic and polar, with tryptophan, which is neutral and slightly polar, at codon 1819 of the FASN protein (p.Arg1819Trp). This variant is present in population databases (rs369955820, gnomAD 0.2%), and has an allele count higher than expected for a pathogenic variant. This missense change has been observed in individual(s) with non-syndromic intellectual disability (PMID: 21937992). ClinVar contains an entry for this variant (Variation ID: 846421). An algorithm developed to predict the effect of missense changes on protein structure and function (PolyPhen-2) suggests that this variant is likely to be disruptive. In summary, the available evidence is currently insufficient to determine the role of this variant in disease. Therefore, it has been classified as a Variant of Uncertain Significance.

Breakthrough Genomics
Classification: Uncertain significance. Review status: criteria provided, single submitter. Criteria: ACMG Guidelines, 2015. Collection method: not provided. Allele origin: germline. Inheritance: Unknown mechanism. Affected: yes.

Literature cited by the submitters: PubMed 21937992 (cited by Labcorp Genetics (formerly Invitae), Labcorp).